The following is an entry in ClinVar:

ClinVar aggregate classification (germline): Conflicting classifications of pathogenicity. Review status: criteria provided, conflicting classifications (1 of 4 stars). 4 submissions from 4 submitters: Uncertain significance (2); Likely benign (2). Last evaluated 2026-07-20.

Conditions:
TTN-related disorder. Also called: TTN-related condition; TTN-related disease; TTN-related disorders.
Tibial muscular dystrophy (TMD). Also called: UDD MYOPATHY; Tibial muscular dystrophy, tardive; Udd Distal Myopathy – Tibial Muscular Dystrophy. Identifiers: Orphanet 609, MedGen C1838244, MONDO:0010870, OMIM 600334.
Myopathy, myofibrillar, 9, with early respiratory failure (MFM9). Also called: Hereditary myopathy with early respiratory failure; EDSTROM MYOPATHY; MYOPATHY, PROXIMAL, WITH EARLY RESPIRATORY MUSCLE INVOLVEMENT; Myopathy, distal, with early respiratory failure, autosomal dominant. Identifiers: Orphanet 178464, Orphanet 34521, MedGen C1863599, MONDO:0011362, OMIM 603689.
Early-onset myopathy with fatal cardiomyopathy (CMYO5). Also called: Salih Myopathy; CONGENITAL MYOPATHY 5 WITH CARDIOMYOPATHY. Identifiers: Orphanet 289377, MedGen C2673677, MONDO:0012714, OMIM 611705. Disease mechanism: loss of function.
Dilated cardiomyopathy 1G (CMD1G). Identifiers: Orphanet 154, MedGen C1858763, MONDO:0011400, OMIM 604145.
Autosomal recessive limb-girdle muscular dystrophy type 2J (LGMDR10). Also called: Limb-girdle muscular dystrophy, type 2J; MUSCULAR DYSTROPHY, LIMB-GIRDLE, AUTOSOMAL RECESSIVE 10. Identifiers: Orphanet 140922, MedGen C1837342, MONDO:0012127, OMIM 608807.
Hypertrophic cardiomyopathy 9. Also called: Familial hypertrophic cardiomyopathy 9. Identifiers: MedGen C1861065, MONDO:0013412, OMIM 613765.

Submissions (4):

PreventionGenetics, part of Exact Sciences
Classification: Uncertain significance for TTN-related condition. Last evaluated: 2026-07-20. Review status: criteria provided, single submitter. Criteria: ACMG Guidelines, 2015. Collection method: clinical testing. Allele origin: germline.
Comment: The TTN c.37607C>T variant is predicted to result in the amino acid substitution p.Pro12536Leu. To our knowledge, this variant has not been reported in the literature. This variant is reported in 0.24% of alleles in individuals of East Asian descent in gnomAD. This variant falls within a highly paralogous region. Allele frequency data should be interpreted with caution. Although we suspect that this variant may be benign, at this time, the clinical significance of this variant is uncertain due to the absence of conclusive functional and genetic evidence.

Molecular Diagnostic Laboratory for Inherited Cardiovascular Disease, Montreal Heart Institute
Classification: Likely benign. Last evaluated: 2025-04-09. Review status: criteria provided, single submitter. Criteria: ACMG Guidelines, 2015. Collection method: clinical testing. Allele origin: germline. Affected: no.

Blueprint Genetics
Classification: Likely benign. Last evaluated: 2024-11-14. Review status: criteria provided, single submitter. Criteria: ACMG Guidelines, 2015. Collection method: clinical testing. Allele origin: germline.

Department of Pathology and Laboratory Medicine, Sinai Health System
Classification: Uncertain significance for Tibial muscular dystrophy; Myopathy, myofibrillar, 9, with early respiratory failure; Dilated cardiomyopathy 1G; Autosomal recessive limb-girdle muscular dystrophy type 2J; Early-onset myopathy with fatal cardiomyopathy; Hypertrophic cardiomyopathy 9. Last evaluated: 2021-07-30. Review status: criteria provided, single submitter. Criteria: ACMG Guidelines, 2015. Collection method: research. Allele origin: germline.

NM_001267550.2(TTN):c.37607C>T (p.Pro12536Leu)

Gene: TTN (titin; minus strand). Cytogenetic location: 2q31.2.
Variant type: single nucleotide variant.
Coding change: c.37607C>T on transcript NM_001267550.2 (MANE Select); coding-DNA position 37607, C replaced by T.
Protein change: p.Pro12536Leu; replaces proline 12536 with leucine.
Molecular consequence: missense variant. On other transcripts: intron variant (5).
Genome position (GRCh38, 1-based): chr2:178,658,488, G>A on the plus strand (C>T on the coding strand, the complement: TTN is on the minus strand). VCF-style: chr2-178658488-G-A. GRCh37 (hg19) VCF-style: chr2-179523215-G-A.
Other names: c.13283-16171C>T (NM_003319.4); c.13859-16171C>T (NM_133437.4); c.13658-16171C>T (NM_133432.3); c.31741+517C>T (NM_133378.4); c.34522+517C>T (NM_001256850.1); short protein forms P12536L.
Identifiers: ClinVar variation 3892775 (VCV003892775.4), dbSNP rs771270249.
Genomic context (GRCh38, chr2:178,658,488, plus strand): 5'-GACGATAAGTTTTTCTTAGCAGAGGAGAGGGAATAAATACCTTTTGCACGTGGGGCTTCC[G>A]GTTTTTTGGGCACAGCCACAGATGCTTTCTTTTCAAGTACAACTTCTTTAGGAGCTTCAG-3'
Protein context (NP_001254479.2, residues 12526-12546): KKASVAVPKK[Pro12536Leu]EAPRAKVPEA